The following is an entry in ClinVar:

NM_004963.4(GUCY2C):c.1115G>A (p.Trp372Ter)

Genes: GUCY2C (guanylate cyclase 2C; minus strand), GUCY2C-AS1 (GUCY2C antisense RNA 1; plus strand). Cytogenetic location: 12p12.3.
Variant type: single nucleotide variant.
Coding change: c.1115G>A on transcript NM_004963.4 (MANE Select); coding-DNA position 1115, G replaced by A.
Protein change: p.Trp372Ter; replaces tryptophan 372 with a stop codon.
Molecular consequence: nonsense.
Genome position (GRCh38, 1-based): chr12:14,672,928, C>T on the plus strand (G>A on the coding strand, the complement: GUCY2C is on the minus strand). VCF-style: chr12-14672928-C-T. GRCh37 (hg19) VCF-style: chr12-14825862-C-T.
Other names: short protein forms W372*.
Identifiers: ClinVar variation 1514349 (VCV001514349.6), dbSNP rs746904140, ClinGen allele CA383999958.

ClinVar aggregate classification (germline): Uncertain significance (1 of 4 stars; one submission).

gnomAD v4.1: 1 of 1,608,764 alleles (0.000062%); highest among the groups gnomAD compares: South Asian, 0.0011%; no homozygotes.

Submission:

Labcorp Genetics (formerly Invitae), Labcorp
Classification: Uncertain significance. Last evaluated: 2024-02-24. Review status: criteria provided, single submitter. Criteria: Invitae Variant Classification Sherloc (09022015). Collection method: clinical testing. Allele origin: germline.
Comment: This sequence change creates a premature translational stop signal (p.Trp372*) in the GUCY2C gene. It is expected to result in an absent or disrupted protein product. However, the current clinical and genetic evidence is not sufficient to establish whether loss-of-function variants in GUCY2C cause disease. This variant is not present in population databases (gnomAD no frequency). This variant has not been reported in the literature in individuals affected with GUCY2C-related conditions. ClinVar contains an entry for this variant (Variation ID: 1514349). In summary, the available evidence is currently insufficient to determine the role of this variant in disease. Therefore, it has been classified as a Variant of Uncertain Significance.